The following is an entry in ClinVar:

ClinVar aggregate classification (germline): Uncertain significance (1 of 4 stars; one submission).

Conditions:
Cortical dysplasia-focal epilepsy syndrome (PTHSL1). Also called: Pitt-Hopkins-like syndrome 1. Identifiers: Orphanet 163681, Orphanet 221150, MedGen C2750246, MONDO:0012400, OMIM 610042.

gnomAD v4.1: 4 of 1,546,142 alleles (0.00026%); highest among the groups gnomAD compares: Non-Finnish European, 0.00035%; no homozygotes.

Submission:

Labcorp Genetics (formerly Invitae), Labcorp
Classification: Uncertain significance for Cortical dysplasia-focal epilepsy syndrome. Last evaluated: 2023-08-10. Review status: criteria provided, single submitter. Criteria: Invitae Variant Classification Sherloc (09022015). Collection method: clinical testing. Allele origin: germline.
Comment: This sequence change replaces arginine, which is basic and polar, with glycine, which is neutral and non-polar, at codon 6 of the CNTNAP2 protein (p.Arg6Gly). This variant is not present in population databases (gnomAD no frequency). This variant has not been reported in the literature in individuals affected with CNTNAP2-related conditions. ClinVar contains an entry for this variant (Variation ID: 649000). Algorithms developed to predict the effect of missense changes on protein structure and function output the following: SIFT: "Not Available"; PolyPhen-2: "Benign"; Align-GVGD: "Not Available". The glycine amino acid residue is found in multiple mammalian species, which suggests that this missense change does not adversely affect protein function. In summary, the available evidence is currently insufficient to determine the role of this variant in disease. Therefore, it has been classified as a Variant of Uncertain Significance.

NM_014141.6(CNTNAP2):c.16C>G (p.Arg6Gly)

Gene: CNTNAP2 (contactin associated protein 2; plus strand). Cytogenetic location: 7q35.
Variant type: single nucleotide variant.
Coding change: c.16C>G on transcript NM_014141.6 (MANE Select); coding-DNA position 16, C replaced by G.
Protein change: p.Arg6Gly; replaces arginine 6 with glycine.
Molecular consequence: missense variant.
Genome position (GRCh38, 1-based): chr7:146,116,892, C>G. VCF-style: chr7-146116892-C-G. GRCh37 (hg19) VCF-style: chr7-145813984-C-G.
Other names: short protein forms R6G.
Identifiers: ClinVar variation 649000 (VCV000649000.9), dbSNP rs1584757095, ClinGen allele CA369922004.